The following is an entry in ClinVar:

ClinVar aggregate classification (germline): Likely benign. Review status: criteria provided, multiple submitters, no conflicts (2 of 4 stars). 2 submissions from 2 submitters: Likely benign (2). Last evaluated 2022-04-01.

Allele frequency attached by ClinVar (database versions not stated): gnomAD 0.00008 and 0.00013; gnomAD exomes 0.00008 and 0.00034; TOPMed 0.00021; ExAC 0.00048; 1000 Genomes Project 30x 0.00094; 1000 Genomes Project 0.00100.
gnomAD v4.1: 136 of 1,573,870 alleles (0.0086%); highest among the groups gnomAD compares: East Asian, 0.28%; 1 homozygote.

Submissions (2):

CeGaT Center for Human Genetics Tuebingen
Classification: Likely benign. Last evaluated: 2022-04-01. Review status: criteria provided, single submitter. Criteria: CeGaT Center For Human Genetics Tuebingen Variant Classification Criteria Version 2. Collection method: clinical testing. Allele origin: germline. Affected: yes. Observed: 1 variant allele.
Comment: ABCA7: PP3, BS2

Labcorp Genetics (formerly Invitae), Labcorp
Classification: Likely benign. Last evaluated: 2018-09-19. Review status: criteria provided, single submitter. Criteria: Invitae Variant Classification Sherloc (09022015). Collection method: clinical testing. Allele origin: germline.

NM_019112.4(ABCA7):c.5963G>T (p.Cys1988Phe)

Gene: ABCA7 (ATP binding cassette subfamily A member 7; plus strand). Cytogenetic location: 19p13.3.
Variant type: single nucleotide variant.
Coding change: c.5963G>T on transcript NM_019112.4 (MANE Select); coding-DNA position 5963, G replaced by T.
Protein change: p.Cys1988Phe; replaces cysteine 1988 with phenylalanine.
Molecular consequence: missense variant.
Genome position (GRCh38, 1-based): chr19:1,064,172, G>T. VCF-style: chr19-1064172-G-T. GRCh37 (hg19) VCF-style: chr19-1064171-G-T.
Other names: short protein forms C1988F.
Identifiers: ClinVar variation 750568 (VCV000750568.34), dbSNP rs142573667, ClinGen allele CA9035072.